The following is an entry in ClinVar:

NM_004304.5(ALK):c.2722C>T (p.Gln908Ter)

Gene: ALK (ALK receptor tyrosine kinase; minus strand). Cytogenetic location: 2p23.2.
Variant type: single nucleotide variant.
Coding change: c.2722C>T on transcript NM_004304.5 (MANE Select); coding-DNA position 2722, C replaced by T.
Protein change: p.Gln908Ter; replaces glutamine 908 with a stop codon.
Molecular consequence: nonsense.
Genome position (GRCh38, 1-based): chr2:29,228,977, G>A on the plus strand (C>T on the coding strand, the complement: ALK is on the minus strand). VCF-style: chr2-29228977-G-A. GRCh37 (hg19) VCF-style: chr2-29451843-G-A.
Other names: short protein forms Q908*.
Identifiers: ClinVar variation 3677290 (VCV003677290.2).

ClinVar aggregate classification (germline): Uncertain significance (1 of 4 stars; one submission).

Conditions:
Neuroblastoma, susceptibility to, 3. Also called: ALK-Related Neuroblastic Tumor Susceptibility. Identifiers: Orphanet 635, MedGen C2751681, MONDO:0013083, OMIM 613014.

gnomAD v4.1: 1 of 1,583,576 alleles (0.000063%); highest among the groups gnomAD compares: Non-Finnish European, 0.000086%; no homozygotes.

Submission:

Labcorp Genetics (formerly Invitae), Labcorp
Classification: Uncertain significance for Neuroblastoma, susceptibility to, 3. Last evaluated: 2024-04-10. Review status: criteria provided, single submitter. Criteria: Invitae Variant Classification Sherloc (09022015). Collection method: clinical testing. Allele origin: germline.
Comment: This sequence change creates a premature translational stop signal (p.Gln908*) in the ALK gene. It is expected to result in an absent or disrupted protein product. However, the current clinical and genetic evidence is not sufficient to establish whether loss-of-function variants in ALK cause disease. This variant is not present in population databases (gnomAD no frequency). This variant has not been reported in the literature in individuals affected with ALK-related conditions. In summary, the available evidence is currently insufficient to determine the role of this variant in disease. Therefore, it has been classified as a Variant of Uncertain Significance.